The following is an entry in ClinVar:

ClinVar aggregate classification (germline): Uncertain significance. Review status: criteria provided, multiple submitters, no conflicts (2 of 4 stars). 2 submissions from 2 submitters: Uncertain significance (2). Last evaluated 2023-12-26.

Conditions:
Inborn genetic diseases. Identifiers: MedGen C0950123, MeSH D030342.

Allele frequency attached by ClinVar (database versions not stated): ExAC 0.00001; gnomAD exomes 0.00002; TOPMed 0.00002; gnomAD 0.00003.
gnomAD v4.1: 16 of 1,613,182 alleles (0.00099%); highest among the groups gnomAD compares: African/African-American, 0.0027%; no homozygotes.

Submissions (2):

Ambry Genetics
Classification: Uncertain significance for Inborn genetic diseases. Last evaluated: 2023-12-26. Review status: criteria provided, single submitter. Criteria: Ambry Variant Classification Scheme 2023. Collection method: clinical testing. Allele origin: germline.

Labcorp Genetics (formerly Invitae), Labcorp
Classification: Uncertain significance. Last evaluated: 2022-03-12. Review status: criteria provided, single submitter. Criteria: Invitae Variant Classification Sherloc (09022015). Collection method: clinical testing. Allele origin: germline.
Comment: This sequence change replaces phenylalanine, which is neutral and non-polar, with isoleucine, which is neutral and non-polar, at codon 802 of the FREM2 protein (p.Phe802Ile). This variant is present in population databases (rs770553967, gnomAD 0.004%). This variant has not been reported in the literature in individuals affected with FREM2-related conditions. Algorithms developed to predict the effect of missense changes on protein structure and function are either unavailable or do not agree on the potential impact of this missense change (SIFT: "Deleterious"; PolyPhen-2: "Possibly Damaging"; Align-GVGD: "Class C0"). In summary, the available evidence is currently insufficient to determine the role of this variant in disease. Therefore, it has been classified as a Variant of Uncertain Significance.

NM_207361.6(FREM2):c.2404T>A (p.Phe802Ile)

Gene: FREM2 (FRAS1 related extracellular matrix 2; plus strand). Cytogenetic location: 13q13.3.
Variant type: single nucleotide variant.
Coding change: c.2404T>A on transcript NM_207361.6 (MANE Select); coding-DNA position 2404, T replaced by A.
Protein change: p.Phe802Ile; replaces phenylalanine 802 with isoleucine.
Molecular consequence: missense variant.
Genome position (GRCh38, 1-based): chr13:38,689,748, T>A. VCF-style: chr13-38689748-T-A. GRCh37 (hg19) VCF-style: chr13-39263885-T-A.
Other names: c.2404T>A (NM_207361.4); short protein forms F802I.
Identifiers: ClinVar variation 2050860 (VCV002050860.2), dbSNP rs770553967, ClinGen allele CA6954605.
Genomic context (GRCh38, chr13:38,689,748, plus strand): 5'-CATAAAATTGCTTACAGACCCCCGGGTCAAGAACTGGGCGTGGCTACTCGAGTGGCCCAG[T>A]TCCAGTTCCAGGTGGAAGACCGAGCTGGGAATGTGGCTCCAGGTACCTTTACCCTTTACT-3'
Protein context (NP_997244.4, residues 792-812): ELGVATRVAQ[Phe802Ile]QFQVEDRAGN